The following is an entry in ClinVar:

NM_003107.3(SOX4):c.1238_1239insAAAAA (p.Asn413fs)

Gene: SOX4 (SRY-box transcription factor 4; plus strand). Cytogenetic location: 6p22.3.
Variant type: Insertion.
Coding change: c.1238_1239insAAAAA on transcript NM_003107.3 (MANE Select); coding-DNA positions 1238 to 1239, AAAAA inserted.
Protein change: p.Asn413fs; shifts the reading frame from asparagine 413.
Molecular consequence: frameshift variant.
Genome position: GRCh38 VCF-style: chr6-21595769-C-CAAAAA. GRCh37 (hg19) VCF-style: chr6-21596000-C-CAAAAA.
Other names: short protein forms N413fs.
Identifiers: ClinVar variation 5019533 (VCV005019533.1).
Genomic context (GRCh38, chr6:21,595,769, plus strand): 5'-CGGGCTCCTCGTCCTCCGACGACGAGTTCGAAGACGACCTGCTCGACCTGAACCCCAGCT[C>CAAAAA]AAACTTTGAGAGCATGTCCCTGGGCAGCTTCAGTTCGTCGTCGGCGCTCGACCGGGACCT-3'

ClinVar aggregate classification (germline): Uncertain significance (1 of 4 stars; one submission).

Conditions:
Coffin-Siris syndrome 10. Also called: INTELLECTUAL DEVELOPMENTAL DISORDER WITH SPEECH DELAY AND DYSMORPHIC FACIES. Identifiers: MedGen C4760583, MONDO:0032791, OMIM 618506.

Submission:

Juno Genomics, Hangzhou Juno Genomics, Inc
Classification: Uncertain significance for Coffin-Siris syndrome 10. Review status: criteria provided, single submitter. Criteria: ACMG Guidelines, 2015. Collection method: clinical testing. Allele origin: germline. Affected: yes.
Comment: Absent from controls (or at extremely low frequency if recessive) in Genome Aggregation Database.;Null variant in a gene where loss of function (LOF) is a known mechanism of disease.;De novo (both maternity and paternity confirmed) in a patient with the disease and no family history.